The following is an entry in ClinVar:

ClinVar aggregate classification (germline): Uncertain significance (1 of 4 stars; one submission).

Conditions:
Hereditary cancer-predisposing syndrome. Also called: Neoplastic Syndromes, Hereditary; Tumor predisposition; Hereditary neoplastic syndrome; Hereditary Cancer Syndrome. Identifiers: Orphanet 140162, MedGen C0027672, MeSH D009386, MONDO:0015356.

Submission:

Ambry Genetics
Classification: Uncertain significance for Hereditary cancer-predisposing syndrome. Last evaluated: 2026-07-07. Review status: criteria provided, single submitter. Criteria: Ambry Variant Classification Scheme 2023. Collection method: clinical testing. Allele origin: germline.
Comment: The p.D1051V variant (also known as c.3152A>T), located in coding exon 23 of the MSH3 gene, results from an A to T substitution at nucleotide position 3152. The aspartic acid at codon 1051 is replaced by valine, an amino acid with highly dissimilar properties. This amino acid position is conserved. In addition, the in silico prediction for this alteration is inconclusive. Based on the available evidence, the clinical significance of this variant remains unclear.

NM_002439.5(MSH3):c.3152A>T (p.Asp1051Val)

Gene: MSH3 (mutS homolog 3; plus strand). Cytogenetic location: 5q14.1.
Variant type: single nucleotide variant.
Coding change: c.3152A>T on transcript NM_002439.5 (MANE Select); coding-DNA position 3152, A replaced by T.
Protein change: p.Asp1051Val; replaces aspartic acid 1051 with valine.
Molecular consequence: missense variant.
Genome position (GRCh38, 1-based): chr5:80,873,137, A>T. VCF-style: chr5-80873137-A-T. GRCh37 (hg19) VCF-style: chr5-80168956-A-T.
Other names: short protein forms D1051V.
Identifiers: ClinVar variation 5024796 (VCV005024796.1).